The following is an entry in ClinVar:

NM_024852.4(AGO3):c.1572G>A (p.Pro524=)

Gene: AGO3 (argonaute RISC catalytic component 3; plus strand). Cytogenetic location: 1p34.3.
Variant type: single nucleotide variant.
Coding change: c.1572G>A on transcript NM_024852.4 (MANE Select); coding-DNA position 1572, G replaced by A.
Protein change: p.Pro524=; no amino-acid change (proline 524 retained).
Molecular consequence: synonymous variant.
Genome position (GRCh38, 1-based): chr1:36,027,279, G>A. VCF-style: chr1-36027279-G-A. GRCh37 (hg19) VCF-style: chr1-36492880-G-A.
Other names: NC_000001.10:g.36492880G>A; c.870G>A, p.Pro290= (NM_177422.3).
Identifiers: ClinVar variation 780766 (VCV000780766.7), dbSNP rs138501451, ClinGen allele CA763821.

ClinVar aggregate classification (germline): Benign. Review status: criteria provided, single submitter (1 of 4 stars). 2 submissions from 2 submitters: Benign (1). 1 of the submissions does not count toward it. Last evaluated 2019-12-31.

Conditions:
AGO3-related disorder. Also called: AGO3-related condition.

Allele frequency attached by ClinVar (database versions not stated): ExAC 0.00099; gnomAD exomes 0.00112; gnomAD 0.00173 and 0.00178; TOPMed 0.00189; ESP Exome Variant Server 0.00200; 1000 Genomes Project 0.00240; 1000 Genomes Project 30x 0.00281.
gnomAD v4.1: 1,099 of 1,612,864 alleles (0.068%); highest among the groups gnomAD compares: African/African-American, 0.43%; 7 homozygotes.

Submissions (3):

Labcorp Genetics (formerly Invitae), Labcorp
Classification: Benign. Last evaluated: 2019-12-31. Review status: criteria provided, single submitter. Criteria: Invitae Variant Classification Sherloc (09022015). Collection method: clinical testing. Allele origin: germline.

PreventionGenetics, part of Exact Sciences
Classification: Benign for AGO3-related condition. Last evaluated: 2019-07-31. Review status: no assertion criteria provided. Collection method: clinical testing. Allele origin: germline. Not counted in ClinVar's aggregate classification.
Comment: This variant is classified as benign based on ACMG/AMP sequence variant interpretation guidelines (Richards et al. 2015 PMID: 25741868, with internal and published modifications).

Dr. Peter K. Rogan Lab, Western University
No classification provided (evidence only). Condition: Acute myeloid leukemia. Review status: no classification provided. Collection method: in vitro. Allele origin: not applicable. Functional consequence: retained intron. Not counted in ClinVar's aggregate classification.